The following is an entry in ClinVar:

ClinVar aggregate classification (germline): Benign. Review status: criteria provided, multiple submitters, no conflicts (2 of 4 stars). 5 submissions from 4 submitters: Benign (5). Last evaluated 2023-09-04.

Conditions:
Nephropathic cystinosis (CTNS). Also called: CYSTINOSIN, DEFECT OF; LYSOSOMAL CYSTINE TRANSPORT PROTEIN, DEFECT OF; Abderhalden Lignac Kaufmann disease; Abderhalden-Kaufmann-Lignac syndrome. Identifiers: Orphanet 213, Orphanet 411629, MedGen C2931187, MONDO:0100151, OMIM 219800.
Ocular cystinosis. Also called: Non-Nephropathic Cystinosis; Non-Nephropathic (Ocular) Cystinosis. Identifiers: Orphanet 213, Orphanet 411641, MedGen C2931013, MONDO:0009064, OMIM 219750.

Allele frequency attached by ClinVar (database versions not stated): 1000 Genomes Project 0.16354; TOPMed 0.14896; gnomAD 0.15247 and 0.15685; 1000 Genomes Project 30x 0.16146.
gnomAD v4.1: 302,430 of 1,609,528 alleles (19%); highest among the groups gnomAD compares: East Asian, 24%; 30,263 homozygotes.

Submissions (5):

Cellular and Molecular Research Center, Cellular and Molecular Medicine Research Institute,, Urmia University of Medical Sciences
Classification: Benign for Nephropathic cystinosis. Last evaluated: 2023-09-04. Review status: criteria provided, single submitter. Criteria: ACMG Guidelines, 2015. Collection method: research. Allele origin: inherited. Inheritance: Autosomal recessive inheritance. Affected: yes. Observed: 1 variant allele, 1 homozygote.

Genome-Nilou Lab
Classification: Benign for Nephropathic cystinosis. Last evaluated: 2021-07-10. Review status: criteria provided, single submitter. Criteria: ACMG Guidelines, 2015. Collection method: clinical testing. Allele origin: germline. Affected: no.

Genome-Nilou Lab
Classification: Benign for Ocular cystinosis. Last evaluated: 2021-07-10. Review status: criteria provided, single submitter. Criteria: ACMG Guidelines, 2015. Collection method: clinical testing. Allele origin: germline. Affected: no.

GeneDx
Classification: Benign. Last evaluated: 2018-06-19. Review status: criteria provided, single submitter. Criteria: GeneDx Variant Classification (06012015). Collection method: clinical testing. Allele origin: germline. Affected: yes.
Comment: This variant is considered likely benign or benign based on one or more of the following criteria: it is a conservative change, it occurs at a poorly conserved position in the protein, it is predicted to be benign by multiple in silico algorithms, and/or has population frequency not consistent with disease.

Breakthrough Genomics
Classification: Benign. Review status: criteria provided, single submitter. Criteria: ACMG Guidelines, 2015. Collection method: not provided. Allele origin: germline. Inheritance: Autosomal recessive inheritance. Affected: yes.

NM_004937.3(CTNS):c.461+54G>A

Genes: CTNS (cystinosin, lysosomal cystine transporter; plus strand), CTNS-AS1 (CTNS antisense RNA 1; minus strand). Cytogenetic location: 17p13.2.
Variant type: single nucleotide variant.
Coding change: c.461+54G>A on transcript NM_004937.3 (MANE Select); 54 bases into the intron after coding-DNA position 461, G replaced by A.
Molecular consequence: intron variant.
Genome position (GRCh38, 1-based): chr17:3,655,406, G>A. VCF-style: chr17-3655406-G-A. GRCh37 (hg19) VCF-style: chr17-3558700-G-A.
Other names: c.461+54G>A (NM_001031681.3, NM_001374492.1); c.20+54G>A (NM_001374493.1, NM_001374495.1, NM_001374494.1 and 1 more transcripts).
Identifiers: ClinVar variation 672024 (VCV000672024.5), dbSNP rs12938401, ClinGen allele CA14368893.